The following is an entry in ClinVar:

NM_004360.5(CDH1):c.1204G>A (p.Asp402Asn)

Gene: CDH1 (cadherin 1; plus strand). Cytogenetic location: 16q22.1.
Variant type: single nucleotide variant.
Coding change: c.1204G>A on transcript NM_004360.5 (MANE Select); coding-DNA position 1204, G replaced by A.
Protein change: p.Asp402Asn; replaces aspartic acid 402 with asparagine.
Molecular consequence: missense variant. On other transcripts: 5 prime UTR variant (2), intron variant (1).
Genome position (GRCh38, 1-based): chr16:68,813,379, G>A. VCF-style: chr16-68813379-G-A. GRCh37 (hg19) VCF-style: chr16-68847282-G-A.
Other names: c.-412G>A (NM_001317185.2); c.-616G>A (NM_001317186.2); c.1137+1116G>A (NM_001317184.2); short protein forms D402N.
Identifiers: ClinVar variation 2636307 (VCV002636307.2), dbSNP rs2152133418, ClinGen allele CA396461291.

ClinVar aggregate classification (germline): Uncertain significance (1 of 4 stars; one submission).

Conditions:
CDH1-related disorder. Also called: CDH1-related condition.

Submission:

PreventionGenetics, part of Exact Sciences
Classification: Uncertain significance for CDH1-related condition. Last evaluated: 2025-10-07. Review status: criteria provided, single submitter. Criteria: ACMG Guidelines, 2015. Collection method: clinical testing. Allele origin: germline.
Comment: The CDH1 c.1204G>A variant is predicted to result in the amino acid substitution p.Asp402Asn. This variant has been reported in an individual with breast cancer (Sflomos et al. 2021. PubMed ID: 34771558). This variant has not been reported in a large population database (gnomAD), indicating this variant is rare. At this time, the clinical significance of this variant is uncertain due to the absence of conclusive functional and genetic evidence.